The following is an entry in ClinVar:

ClinVar aggregate classification (germline): Uncertain significance (1 of 4 stars; one submission).

Conditions:
Hereditary spastic paraplegia 3A (SPG3A). Also called: SPASTIC PARAPLEGIA 3, AUTOSOMAL DOMINANT; FAMILIAL SPASTIC PARAPLEGIA, AUTOSOMAL DOMINANT, 1; SPG3; STRUMPELL DISEASE; Spastic Paraplegia 3A; Spastic paraplegia 3A, autosomal dominant. Identifiers: Orphanet 100984, MedGen C2931355, MONDO:0008437, OMIM 182600.

Submission:

Labcorp Genetics (formerly Invitae), Labcorp
Classification: Uncertain significance for Hereditary spastic paraplegia 3A. Last evaluated: 2021-09-07. Review status: criteria provided, single submitter. Criteria: Invitae Variant Classification Sherloc (09022015). Collection method: clinical testing. Allele origin: germline.
Comment: In summary, the available evidence is currently insufficient to determine the role of this variant in disease. Therefore, it has been classified as a Variant of Uncertain Significance. Advanced modeling of protein sequence and biophysical properties (such as structural, functional, and spatial information, amino acid conservation, physicochemical variation, residue mobility, and thermodynamic stability) performed at Invitae indicates that this missense variant is not expected to disrupt ATL1 protein function. This variant has not been reported in the literature in individuals affected with ATL1-related conditions. This variant is not present in population databases (ExAC no frequency). This sequence change replaces lysine with glutamic acid at codon 555 of the ATL1 protein (p.Lys555Glu). The lysine residue is moderately conserved and there is a small physicochemical difference between lysine and glutamic acid.

NM_015915.5(ATL1):c.1663A>G (p.Lys555Glu)

Gene: ATL1 (atlastin GTPase 1; plus strand). Cytogenetic location: 14q22.1.
Variant type: single nucleotide variant.
Coding change: c.1663A>G on transcript NM_015915.5 (MANE Select); coding-DNA position 1663, A replaced by G.
Protein change: p.Lys555Glu; replaces lysine 555 with glutamic acid.
Molecular consequence: missense variant.
Genome position (GRCh38, 1-based): chr14:50,632,325, A>G. VCF-style: chr14-50632325-A-G. GRCh37 (hg19) VCF-style: chr14-51099043-A-G.
Other names: c.1648A>G, p.Lys550Glu (NM_001127713.1, NM_181598.4); short protein forms K555E, K550E.
Identifiers: ClinVar variation 1405161 (VCV001405161.6), dbSNP rs2039590846, ClinGen allele CA389679050.